The following is an entry in ClinVar:

NM_001040108.2(MLH3):c.4142T>C (p.Ile1381Thr)

Gene: MLH3 (mutL homolog 3; minus strand). Cytogenetic location: 14q24.3.
Variant type: single nucleotide variant.
Coding change: c.4142T>C on transcript NM_001040108.2 (MANE Select); coding-DNA position 4142, T replaced by C.
Protein change: p.Ile1381Thr; replaces isoleucine 1381 with threonine.
Molecular consequence: missense variant.
Genome position (GRCh38, 1-based): chr14:75,018,929, A>G on the plus strand (T>C on the coding strand, the complement: MLH3 is on the minus strand). VCF-style: chr14-75018929-A-G. GRCh37 (hg19) VCF-style: chr14-75485632-A-G.
Other names: c.4070T>C, p.Ile1357Thr (NM_014381.3); short protein forms I1357T, I1381T.
Identifiers: ClinVar variation 3295169 (VCV003295169.1).

ClinVar aggregate classification (germline): Uncertain significance (1 of 4 stars; one submission).

Submission:

Ambry Genetics
Classification: Uncertain significance. Last evaluated: 2024-06-22. Review status: criteria provided, single submitter. Criteria: Ambry Variant Classification Scheme 2023. Collection method: clinical testing. Allele origin: germline.
Comment: The p.I1381T variant (also known as c.4142T>C), located in coding exon 11 of the MLH3 gene, results from a T to C substitution at nucleotide position 4142. The isoleucine at codon 1381 is replaced by threonine, an amino acid with similar properties. This amino acid position is conserved. In addition, the in silico prediction for this alteration is inconclusive. Based on the available evidence, the clinical significance of this variant remains unclear.